The following is an entry in ClinVar:

NM_001267550.2(TTN):c.27328+1G>T

Gene: TTN (titin; minus strand). Cytogenetic location: 2q31.2.
Variant type: single nucleotide variant.
Coding change: c.27328+1G>T on transcript NM_001267550.2 (MANE Select); the canonical splice donor site of the intron after coding-DNA position 27328, G replaced by T.
Molecular consequence: splice donor variant. On other transcripts: intron variant (3).
Genome position (GRCh38, 1-based): chr2:178,712,696, C>A on the plus strand (G>T on the coding strand, the complement: TTN is on the minus strand). VCF-style: chr2-178712696-C-A. GRCh37 (hg19) VCF-style: chr2-179577423-C-A.
Other names: c.13282+25386G>T (NM_003319.4); c.13858+25386G>T (NM_133437.4); c.13657+25386G>T (NM_133432.3); c.23596+1G>T (NM_133378.4); c.26377+1G>T (NM_001256850.1).
Identifiers: ClinVar variation 3761553 (VCV003761553.2).

ClinVar aggregate classification (germline): Likely pathogenic (1 of 4 stars; one submission).

Conditions:
Autosomal recessive limb-girdle muscular dystrophy type 2J (LGMDR10). Also called: Limb-girdle muscular dystrophy, type 2J; MUSCULAR DYSTROPHY, LIMB-GIRDLE, AUTOSOMAL RECESSIVE 10. Identifiers: Orphanet 140922, MedGen C1837342, MONDO:0012127, OMIM 608807.
Dilated cardiomyopathy 1G (CMD1G). Identifiers: Orphanet 154, MedGen C1858763, MONDO:0011400, OMIM 604145.

Submission:

Labcorp Genetics (formerly Invitae), Labcorp
Classification: Likely pathogenic for Dilated cardiomyopathy 1G; Autosomal recessive limb-girdle muscular dystrophy type 2J. Last evaluated: 2025-10-27. Review status: criteria provided, single submitter. Criteria: Invitae Variant Classification Sherloc (09022015). Collection method: clinical testing. Allele origin: germline.
Comment: This sequence change affects a donor splice site in intron 94 of the TTN gene. It is expected to disrupt RNA splicing and likely results in a truncated or disrupted TTN protein. This variant is present in population databases (no rsID available, gnomAD 0.002%). This variant has not been reported in the literature in individuals affected with TTN-related conditions. ClinVar contains an entry for this variant (Variation ID: 3761553). Algorithms developed to predict the effect of sequence changes on RNA splicing suggest that this variant may disrupt the consensus splice site. This variant is located in the I band of TTN (PMID: 25589632). Truncating variants in this region have been reported in individuals affected with autosomal recessive centronuclear myopathy (PMID: 23975875, internal data). Truncating variants in this region have also been identified in individuals affected with autosomal dominant dilated cardiomyopathy and/or cardio-related conditions (PMID: 27869827, 32964742, internal data). In summary, the currently available evidence indicates that the variant is pathogenic, but additional data are needed to prove that conclusively. Therefore, this variant has been classified as Likely Pathogenic.

Literature cited by the submitters: PubMed 25589632; PubMed 23975875; PubMed 27869827; PubMed 32964742.